The following is an entry in ClinVar:

ClinVar aggregate classification (germline): Likely pathogenic. Review status: criteria provided, multiple submitters, no conflicts (2 of 4 stars). 4 submissions from 4 submitters: Likely pathogenic (3). 1 of the submissions does not count toward it. Last evaluated 2025-11-19.

Conditions:
BEST1-related disorder. Also called: BEST1-related disorders; BEST1-related condition. Identifiers: MedGen CN239200.

Allele frequency attached by ClinVar (database versions not stated): TOPMed below 0.00001.

Submissions (4):

GeneDx
Classification: Likely pathogenic. Last evaluated: 2025-11-19. Review status: criteria provided, single submitter. Criteria: GeneDx Variant Classification Process June 2021. Collection method: clinical testing. Allele origin: germline. Affected: yes.
Comment: Identified in patients with features of BEST1-related bestrophinopathy referred for genetic testing at GeneDx and in published literature (PMID: 10798642); Not observed at significant frequency in large population cohorts (gnomAD); In silico analysis supports that this missense variant has a deleterious effect on protein structure/function; This variant is associated with the following publications: (PMID: 10798642)

Labcorp Genetics (formerly Invitae), Labcorp
Classification: Likely pathogenic. Last evaluated: 2023-11-12. Review status: criteria provided, single submitter. Criteria: Invitae Variant Classification Sherloc (09022015). Collection method: clinical testing. Allele origin: germline.
Comment: This sequence change replaces threonine, which is neutral and polar, with alanine, which is neutral and non-polar, at codon 307 of the BEST1 protein (p.Thr307Ala). This variant is not present in population databases (gnomAD no frequency). This missense change has been observed in individual(s) with BEST1-related conditions (PMID: 10798642). ClinVar contains an entry for this variant (Variation ID: 99781). Advanced modeling of protein sequence and biophysical properties (such as structural, functional, and spatial information, amino acid conservation, physicochemical variation, residue mobility, and thermodynamic stability) performed at Invitae indicates that this missense variant is expected to disrupt BEST1 protein function with a positive predictive value of 95%. This variant disrupts the p.Thr307 amino acid residue in BEST1. Other variant(s) that disrupt this residue have been determined to be pathogenic (PMID: 10331951, 10798642, 12565808, 19375515). This suggests that this residue is clinically significant, and that variants that disrupt this residue are likely to be disease-causing. In summary, the currently available evidence indicates that the variant is pathogenic, but additional data are needed to prove that conclusively. Therefore, this variant has been classified as Likely Pathogenic.

Blueprint Genetics
Classification: Likely pathogenic for BEST1-related disorders. Last evaluated: 2019-10-31. Review status: criteria provided, single submitter. Criteria: ACMG Guidelines, 2015. Collection method: clinical testing. Allele origin: germline. Affected: yes. Observed: 2 variant alleles.

Retina International
No classification provided. Review status: no classification provided. Collection method: not provided. Allele origin: not provided. Not counted in ClinVar's aggregate classification.

Literature cited by the submitters: PubMed 10798642 (cited by Labcorp Genetics (formerly Invitae), Labcorp); PubMed 10331951 (cited by Labcorp Genetics (formerly Invitae), Labcorp); PubMed 12565808 (cited by Labcorp Genetics (formerly Invitae), Labcorp); PubMed 19375515 (cited by Labcorp Genetics (formerly Invitae), Labcorp).

NM_004183.4(BEST1):c.919A>G (p.Thr307Ala)

Gene: BEST1 (bestrophin 1; plus strand). Cytogenetic location: 11q12.3.
Variant type: single nucleotide variant.
Coding change: c.919A>G on transcript NM_004183.4 (MANE Select); coding-DNA position 919, A replaced by G.
Protein change: p.Thr307Ala; replaces threonine 307 with alanine.
Molecular consequence: missense variant. On other transcripts: synonymous variant (1), non-coding transcript variant (1), intron variant (1).
Genome position (GRCh38, 1-based): chr11:61,959,549, A>G. VCF-style: chr11-61959549-A-G. GRCh37 (hg19) VCF-style: chr11-61727021-A-G.
Other names: c.739A>G, p.Thr247Ala (NM_001139443.3, NM_001300787.2); c.601A>G, p.Thr201Ala (NM_001363591.3); c.1122A>G, p.Arg374= (NM_001363592.2); c.-54A>G (NM_001363593.3); c.688-343A>G (NM_001300786.2); short protein forms T307A, T247A, T201A.
Identifiers: ClinVar variation 99781 (VCV000099781.13), dbSNP rs281865268, ClinGen allele CA227853.
Genomic context (GRCh38, chr11:61,959,549, plus strand): 5'-GTCCCCAAGGTGGCAGAGCAGCTCATCAACCCCTTTGGAGAGGATGATGATGATTTTGAG[A>G]CCAACTGGATTGTCGACAGGAATTTGCAGGTATGGGGAGAGGGAGAGAAACCATACCATG-3'
Protein context (NP_004174.1, residues 297-317): PFGEDDDDFE[Thr307Ala]NWIVDRNLQV